The following is an entry in ClinVar:

ClinVar aggregate classification (germline): Uncertain significance. Review status: criteria provided, multiple submitters, no conflicts (2 of 4 stars). 5 submissions from 5 submitters: Uncertain significance (5). Last evaluated 2025-12-16.

Conditions:
Mitochondrial complex I deficiency, nuclear type 4. Also called: Mitochondrial complex 1 deficiency, nuclear type 4. Identifiers: MedGen C4748753, MONDO:0032609, OMIM 618225.
Mitochondrial complex I deficiency, nuclear type 1. Also called: NADH-COENZYME Q REDUCTASE DEFICIENCY; MITOCHONDRIAL NADH DEHYDROGENASE COMPONENT OF COMPLEX I, DEFICIENCY OF. Identifiers: MedGen C6022305, MONDO:0100224, OMIM 252010.
Inborn genetic diseases. Identifiers: MedGen C0950123, MeSH D030342.

Allele frequency attached by ClinVar (database versions not stated): ExAC 0.00007; ESP Exome Variant Server 0.00008; gnomAD exomes 0.00008 and 0.00018; gnomAD 0.00009; TOPMed 0.00012.
gnomAD v4.1: 302 of 1,611,778 alleles (0.019%); highest among the groups gnomAD compares: Non-Finnish European, 0.022%; no homozygotes.

Submissions (5):

Ambry Genetics
Classification: Uncertain significance for Inborn genetic diseases. Last evaluated: 2025-12-16. Review status: criteria provided, single submitter. Criteria: Ambry Variant Classification Scheme 2023. Collection method: clinical testing. Allele origin: germline.

GeneDx
Classification: Uncertain significance. Last evaluated: 2024-10-04. Review status: criteria provided, single submitter. Criteria: GeneDx Variant Classification Process June 2021. Collection method: clinical testing. Allele origin: germline. Affected: yes.
Comment: Not observed at significant frequency in large population cohorts (gnomAD); In silico analysis indicates that this missense variant does not alter protein structure/function; Has not been previously published as pathogenic or benign to our knowledge

Labcorp Genetics (formerly Invitae), Labcorp
Classification: Uncertain significance. Last evaluated: 2022-02-18. Review status: criteria provided, single submitter. Criteria: Invitae Variant Classification Sherloc (09022015). Collection method: clinical testing. Allele origin: germline.
Comment: This sequence change replaces arginine, which is basic and polar, with tryptophan, which is neutral and slightly polar, at codon 460 of the NDUFV1 protein (p.Arg460Trp). This variant is present in population databases (rs372047256, gnomAD 0.02%). This variant has not been reported in the literature in individuals affected with NDUFV1-related conditions. ClinVar contains an entry for this variant (Variation ID: 305758). Algorithms developed to predict the effect of missense changes on protein structure and function output the following: SIFT: "Tolerated"; PolyPhen-2: "Not Available"; Align-GVGD: "Class C0". The tryptophan amino acid residue is found in multiple mammalian species, which suggests that this missense change does not adversely affect protein function. In summary, the available evidence is currently insufficient to determine the role of this variant in disease. Therefore, it has been classified as a Variant of Uncertain Significance.

Centre for Mendelian Genomics, University Medical Centre Ljubljana
Classification: Uncertain significance for Mitochondrial complex I deficiency, nuclear type 4. Last evaluated: 2019-03-01. Review status: criteria provided, single submitter. Criteria: ACMG Guidelines, 2015. Collection method: clinical testing. Allele origin: unknown. Affected: yes.
Comment: This variant was classified as: Uncertain significance. The available evidence on this variant's pathogenicity is insufficient or conflicting. The following ACMG criteria were applied in classifying this variant: No criteria apply.

Baylor Genetics
Classification: Uncertain significance for Mitochondrial complex I deficiency, nuclear type 1. Last evaluated: 2018-05-24. Review status: criteria provided, single submitter. Criteria: ACMG Guidelines, 2015. Collection method: clinical testing. Allele origin: maternal. Affected: yes.
Comment: This variant was determined to be of uncertain significance according to ACMG Guidelines, 2015 [PMID:25741868].

NM_007103.4(NDUFV1):c.1378C>T (p.Arg460Trp)

Genes: NDUFV1 (NADH:ubiquinone oxidoreductase core subunit V1; plus strand), LOC126861242 (CDK7 strongly-dependent group 2 enhancer GRCh37_chr11:67379204-67380403; plus strand). Cytogenetic location: 11q13.2.
Variant type: single nucleotide variant.
Coding change: c.1378C>T on transcript NM_007103.4 (MANE Select); coding-DNA position 1378, C replaced by T.
Protein change: p.Arg460Trp; replaces arginine 460 with tryptophan.
Molecular consequence: missense variant.
Genome position (GRCh38, 1-based): chr11:67,612,441, C>T. VCF-style: chr11-67612441-C-T. GRCh37 (hg19) VCF-style: chr11-67379912-C-T.
Other names: c.1351C>T, p.Arg451Trp (NM_001166102.2); short protein forms R460W, R451W.
Identifiers: ClinVar variation 305758 (VCV000305758.17), dbSNP rs372047256, ClinGen allele CA6143522.